The following is an entry in ClinVar:

ClinVar aggregate classification (germline): Pathogenic (1 of 4 stars; one submission).

Conditions:
Familial thoracic aortic aneurysm and aortic dissection (TAAD). Also called: Thoracic aortic aneurysms and dissections. Identifiers: Orphanet 91387, MedGen C4707243, MONDO:0019625.

Submission:

Centre of Medical Genetics, University of Antwerp
Classification: Pathogenic for Familial thoracic aortic aneurysm and aortic dissection. Last evaluated: 2024-09-06. Review status: criteria provided, single submitter. Criteria: ACMG Guidelines, 2015. Collection method: clinical testing. Allele origin: germline. Affected: yes.
Comment: P(PVS1; PS1; PM2)

NM_000138.5(FBN1):c.7781_7782insCGACGAGTGTG (p.Gln2594fs)

Gene: FBN1 (fibrillin 1; minus strand). Cytogenetic location: 15q21.1.
Variant type: Insertion.
Coding change: c.7781_7782insCGACGAGTGTG on transcript NM_000138.5 (MANE Select); coding-DNA positions 7781 to 7782, CGACGAGTGTG inserted.
Protein change: p.Gln2594fs; shifts the reading frame from glutamine 2594.
Molecular consequence: frameshift variant.
Genome position: GRCh38 VCF-style: chr15-48420724-C-CCACACTCGTCG. GRCh37 (hg19) VCF-style: chr15-48712921-C-CCACACTCGTCG.
Other names: c.7781_7782insCGACGAGTGTG, p.Gln2594fs (NM_001406716.1); short protein forms Q2594fs.
Identifiers: ClinVar variation 4820010 (VCV004820010.1).